The following is an entry in ClinVar:

ClinVar aggregate classification (germline): Uncertain significance (1 of 4 stars; one submission).

Conditions:
Early-infantile DEE. Also called: Early infantile epileptic encephalopathy; Early infantile epileptic encephalopathy with suppression bursts; Ohtahara syndrome. Identifiers: Orphanet 1934, MedGen C0393706, MONDO:0800491.

Allele frequency attached by ClinVar (database versions not stated): gnomAD exomes 0.00001; TOPMed below 0.00001; ExAC 0.00001; gnomAD 0.00001.

Submission:

Labcorp Genetics (formerly Invitae), Labcorp
Classification: Uncertain significance for Early-infantile DEE. Last evaluated: 2023-06-27. Review status: criteria provided, single submitter. Criteria: Invitae Variant Classification Sherloc (09022015). Collection method: clinical testing. Allele origin: germline.
Comment: This sequence change replaces glutamic acid, which is acidic and polar, with lysine, which is basic and polar, at codon 2136 of the SPTAN1 protein (p.Glu2136Lys). This variant is present in population databases (rs755273355, gnomAD 0.006%). This variant has not been reported in the literature in individuals affected with SPTAN1-related conditions. Advanced modeling of protein sequence and biophysical properties (such as structural, functional, and spatial information, amino acid conservation, physicochemical variation, residue mobility, and thermodynamic stability) has been performed at Invitae for this missense variant, however the output from this modeling did not meet the statistical confidence thresholds required to predict the impact of this variant on SPTAN1 protein function. In summary, the available evidence is currently insufficient to determine the role of this variant in disease. Therefore, it has been classified as a Variant of Uncertain Significance.

NM_001130438.3(SPTAN1):c.6406G>A (p.Glu2136Lys)

Gene: SPTAN1 (spectrin alpha, non-erythrocytic 1; plus strand). Cytogenetic location: 9q34.11.
Variant type: single nucleotide variant.
Coding change: c.6406G>A on transcript NM_001130438.3 (MANE Select); coding-DNA position 6406, G replaced by A.
Protein change: p.Glu2136Lys; replaces glutamic acid 2136 with lysine.
Molecular consequence: missense variant.
Genome position (GRCh38, 1-based): chr9:128,626,517, G>A. VCF-style: chr9-128626517-G-A. GRCh37 (hg19) VCF-style: chr9-131388796-G-A.
Other names: c.6406G>A, p.Glu2136Lys (NM_001363759.2, NM_001375310.1, NM_001375311.2 and 1 more transcripts); c.6346G>A, p.Glu2116Lys (NM_001363765.2, NM_001375314.2); c.6442G>A, p.Glu2148Lys (NM_001375312.2, NM_001375318.1); c.6391G>A, p.Glu2131Lys (NM_003127.4); c.6331G>A, p.Glu2111Lys (NM_001195532.2); short protein forms E2136K, E2111K, E2116K, E2131K, E2148K.
Identifiers: ClinVar variation 2797344 (VCV002797344.3), dbSNP rs755273355, ClinGen allele CA5265702.